The following is an entry in ClinVar:

NM_014611.3(MDN1):c.2250G>A (p.Gly750=)

Gene: MDN1 (midasin AAA ATPase 1; minus strand). Cytogenetic location: 6q15.
Variant type: single nucleotide variant.
Coding change: c.2250G>A on transcript NM_014611.3 (MANE Select); coding-DNA position 2250, G replaced by A.
Protein change: p.Gly750=; no amino-acid change (glycine 750 retained).
Molecular consequence: synonymous variant.
Genome position (GRCh38, 1-based): chr6:89,762,425, C>T on the plus strand (G>A on the coding strand, the complement: MDN1 is on the minus strand). VCF-style: chr6-89762425-C-T. GRCh37 (hg19) VCF-style: chr6-90472144-C-T.
Identifiers: ClinVar variation 770176 (VCV000770176.5), dbSNP rs114838282, ClinGen allele CA3925711.

ClinVar aggregate classification (germline): Benign. Review status: criteria provided, single submitter (1 of 4 stars). 2 submissions from 2 submitters: Benign (1). 1 of the submissions does not count toward it. Last evaluated 2018-03-29.

Conditions:
MDN1-related disorder. Also called: MDN1-related condition.

Allele frequency attached by ClinVar (database versions not stated): ESP Exome Variant Server 0.00031; gnomAD exomes 0.00220 and 0.00876; gnomAD 0.00411 and 0.00416; ExAC 0.00630; 1000 Genomes Project 0.00679; 1000 Genomes Project 30x 0.00734; TOPMed 0.00737.
gnomAD v4.1: 3,820 of 1,613,974 alleles (0.24%); highest among the groups gnomAD compares: Admixed American, 5.2%; 115 homozygotes.

Submissions (2):

Labcorp Genetics (formerly Invitae), Labcorp
Classification: Benign. Last evaluated: 2018-03-29. Review status: criteria provided, single submitter. Criteria: Invitae Variant Classification Sherloc (09022015). Collection method: clinical testing. Allele origin: germline.

PreventionGenetics, part of Exact Sciences
Classification: Benign for MDN1-related condition. Last evaluated: 2019-04-25. Review status: no assertion criteria provided. Collection method: clinical testing. Allele origin: germline. Not counted in ClinVar's aggregate classification.
Comment: This variant is classified as benign based on ACMG/AMP sequence variant interpretation guidelines (Richards et al. 2015 PMID: 25741868, with internal and published modifications).